The following is an entry in ClinVar:

NM_004527.4(MEOX1):c.40C>A (p.Pro14Thr)

Gene: MEOX1 (mesenchyme homeobox 1; minus strand). Cytogenetic location: 17q21.31.
Variant type: single nucleotide variant.
Coding change: c.40C>A on transcript NM_004527.4 (MANE Select); coding-DNA position 40, C replaced by A.
Protein change: p.Pro14Thr; replaces proline 14 with threonine.
Molecular consequence: missense variant. On other transcripts: intron variant (1).
Genome position (GRCh38, 1-based): chr17:43,661,495, G>T on the plus strand (C>A on the coding strand, the complement: MEOX1 is on the minus strand). VCF-style: chr17-43661495-G-T. GRCh37 (hg19) VCF-style: chr17-41738863-G-T.
Other names: c.40C>A, p.Pro14Thr (NM_013999.4); c.-204-102C>A (NM_001040002.2); c.40C>A (NM_004527.3); short protein forms P14T.
Identifiers: ClinVar variation 1388171 (VCV001388171.9), dbSNP rs759942500, ClinGen allele CA8592721.

ClinVar aggregate classification (germline): Uncertain significance. Review status: criteria provided, multiple submitters, no conflicts (2 of 4 stars). 2 submissions from 2 submitters: Uncertain significance (2). Last evaluated 2024-12-02.

Conditions:
Inborn genetic diseases. Identifiers: MedGen C0950123, MeSH D030342.

Allele frequency attached by ClinVar (database versions not stated): TOPMed below 0.00001; ExAC 0.00001; gnomAD exomes 0.00002.

Submissions (2):

Labcorp Genetics (formerly Invitae), Labcorp
Classification: Uncertain significance. Last evaluated: 2024-12-02. Review status: criteria provided, single submitter. Criteria: Invitae Variant Classification Sherloc (09022015). Collection method: clinical testing. Allele origin: germline.
Comment: This sequence change replaces proline, which is neutral and non-polar, with threonine, which is neutral and polar, at codon 14 of the MEOX1 protein (p.Pro14Thr). This variant is present in population databases (rs759942500, gnomAD 0.01%). This variant has not been reported in the literature in individuals affected with MEOX1-related conditions. ClinVar contains an entry for this variant (Variation ID: 1388171). An algorithm developed to predict the effect of missense changes on protein structure and function (PolyPhen-2) suggests that this variant is likely to be tolerated. In summary, the available evidence is currently insufficient to determine the role of this variant in disease. Therefore, it has been classified as a Variant of Uncertain Significance.

Ambry Genetics
Classification: Uncertain significance for Inborn genetic diseases. Last evaluated: 2023-12-14. Review status: criteria provided, single submitter. Criteria: Ambry Variant Classification Scheme 2023. Collection method: clinical testing. Allele origin: germline.